The following is an entry in ClinVar:

ClinVar aggregate classification (germline): Uncertain significance (1 of 4 stars; one submission).

Conditions:
Hereditary cancer-predisposing syndrome. Also called: Neoplastic Syndromes, Hereditary; Tumor predisposition; Hereditary neoplastic syndrome; Hereditary Cancer Syndrome. Identifiers: Orphanet 140162, MedGen C0027672, MeSH D009386, MONDO:0015356.

Submission:

Ambry Genetics
Classification: Uncertain significance for Hereditary cancer-predisposing syndrome. Last evaluated: 2024-03-16. Review status: criteria provided, single submitter. Criteria: Ambry Variant Classification Scheme 2023. Collection method: clinical testing. Allele origin: germline.
Comment: The p.E107K variant (also known as c.319G>A), located in coding exon 2 of the PRKAR1A gene, results from a G to A substitution at nucleotide position 319. The glutamic acid at codon 107 is replaced by lysine, an amino acid with similar properties. This amino acid position is conserved. In addition, this alteration is predicted to be deleterious by in silico analysis. Based on the available evidence, the clinical significance of this alteration remains unclear.

NM_002734.5(PRKAR1A):c.319G>A (p.Glu107Lys)

Gene: PRKAR1A (protein kinase cAMP-dependent type I regulatory subunit alpha; plus strand). Cytogenetic location: 17q24.2.
Variant type: single nucleotide variant.
Coding change: c.319G>A on transcript NM_002734.5 (MANE Select); coding-DNA position 319, G replaced by A.
Protein change: p.Glu107Lys; replaces glutamic acid 107 with lysine.
Molecular consequence: missense variant.
Genome position (GRCh38, 1-based): chr17:68,522,897, G>A. VCF-style: chr17-68522897-G-A. GRCh37 (hg19) VCF-style: chr17-66519038-G-A.
Other names: c.319G>A, p.Glu107Lys (NM_001276289.2, NM_001276290.1, NM_001278433.2 and 4 more transcripts); short protein forms E107K.
Identifiers: ClinVar variation 3309959 (VCV003309959.1).